The following is an entry in ClinVar:

ClinVar aggregate classification (germline): Uncertain significance. Review status: criteria provided, multiple submitters, no conflicts (2 of 4 stars). 2 submissions from 2 submitters: Uncertain significance (2). Last evaluated 2023-11-09.

Conditions:
Developmental and epileptic encephalopathy, 14 (DEE14). Also called: Early infantile epileptic encephalopathy 14. Identifiers: Orphanet 293181, MedGen C3554195, MONDO:0013989, OMIM 614959.
Autosomal dominant nocturnal frontal lobe epilepsy 5. Also called: CILIARY DYSKINESIA, PRIMARY, 28, WITHOUT SITUS INVERSUS; CILIARY DYSKINESIA, PRIMARY, 28, WITH SITUS INVERSUS; Epilepsy, nocturnal frontal lobe, 5; KCNT1-Related Epilepsy. Identifiers: Orphanet 98784, MedGen C3554306, MONDO:0014002, OMIM 615005.

Allele frequency attached by ClinVar (database versions not stated): gnomAD exomes 0.00001.
gnomAD v4.1: 12 of 1,444,288 alleles (0.00083%); highest among the groups gnomAD compares: African/African-American, 0.0015%; no homozygotes.

Submissions (2):

Blueprint Genetics
Classification: Uncertain significance. Last evaluated: 2023-11-09. Review status: criteria provided, single submitter. Criteria: ACMG Guidelines, 2015. Collection method: clinical testing. Allele origin: germline.

Labcorp Genetics (formerly Invitae), Labcorp
Classification: Uncertain significance for Autosomal dominant nocturnal frontal lobe epilepsy 5; Developmental and epileptic encephalopathy, 14. Last evaluated: 2022-04-08. Review status: criteria provided, single submitter. Criteria: Invitae Variant Classification Sherloc (09022015). Collection method: clinical testing. Allele origin: germline.
Comment: In summary, the available evidence is currently insufficient to determine the role of this variant in disease. Therefore, it has been classified as a Variant of Uncertain Significance. Algorithms developed to predict the effect of missense changes on protein structure and function (SIFT, PolyPhen-2, Align-GVGD) all suggest that this variant is likely to be tolerated. This variant has not been reported in the literature in individuals affected with KCNT1-related conditions. This variant is not present in population databases (gnomAD no frequency). This sequence change replaces phenylalanine, which is neutral and non-polar, with leucine, which is neutral and non-polar, at codon 80 of the KCNT1 protein (p.Phe80Leu).

NM_020822.3(KCNT1):c.238T>C (p.Phe80Leu)

Gene: KCNT1 (potassium sodium-activated channel subfamily T member 1; plus strand). Cytogenetic location: 9q34.3.
Variant type: single nucleotide variant.
Coding change: c.238T>C on transcript NM_020822.3 (MANE Select); coding-DNA position 238, T replaced by C.
Protein change: p.Phe80Leu; replaces phenylalanine 80 with leucine.
Molecular consequence: missense variant. On other transcripts: intron variant (1).
Genome position (GRCh38, 1-based): chr9:135,714,704, T>C. VCF-style: chr9-135714704-T-C. GRCh37 (hg19) VCF-style: chr9-138606550-T-C.
Other names: c.110+12336T>C (NM_001272003.2); short protein forms F80L.
Identifiers: ClinVar variation 1389164 (VCV001389164.7), dbSNP rs1454449324, ClinGen allele CA375493442.